The following is an entry in ClinVar:

ClinVar aggregate classification (germline): Uncertain significance. Review status: criteria provided, single submitter (1 of 4 stars). 2 submissions from 2 submitters: Uncertain significance (1). 1 of the submissions does not count toward it. Last evaluated 2025-08-04.

Conditions:
Malignant tumor of urinary bladder. Also called: Urinary Bladder Neoplasms; Urinary bladder cancer; Bladder cancer. Identifiers: MedGen C0005684, MONDO:0001187, OMIM 109800.

Allele frequency attached by ClinVar (database versions not stated): gnomAD exomes below 0.00001; gnomAD 0.00001.
gnomAD v4.1: 2 of 1,613,742 alleles (0.00012%); highest among the groups gnomAD compares: Admixed American, 0.0017%; no homozygotes.

Submissions (2):

GeneDx
Classification: Uncertain significance. Last evaluated: 2025-08-04. Review status: criteria provided, single submitter. Criteria: GeneDx Variant Classification Process June 2021. Collection method: clinical testing. Allele origin: germline. Affected: yes.
Comment: Not observed at significant frequency in large population cohorts (gnomAD); In silico analysis supports that this missense variant has a deleterious effect on protein structure/function; This variant is associated with the following publications: (PMID: 18397877, 23514105, 14633685, 12773163)

Tuberous sclerosis database (TSC1)
No classification provided. Condition: Bladder cancer. Review status: no classification provided. Criteria: Tuberous Sclerosis Database Assertion Criteria 2015. Collection method: curation. Allele origin: germline. Affected: yes. Not counted in ClinVar's aggregate classification.

NM_000368.5(TSC1):c.203A>G (p.His68Arg)

Gene: TSC1 (TSC complex subunit 1; minus strand). Cytogenetic location: 9q34.13.
Variant type: single nucleotide variant.
Coding change: c.203A>G on transcript NM_000368.5 (MANE Select); coding-DNA position 203, A replaced by G.
Protein change: p.His68Arg; replaces histidine 68 with arginine.
Molecular consequence: missense variant. On other transcripts: intron variant (1).
Genome position (GRCh38, 1-based): chr9:132,927,208, T>C on the plus strand (A>G on the coding strand, the complement: TSC1 is on the minus strand). VCF-style: chr9-132927208-T-C. GRCh37 (hg19) VCF-style: chr9-135802595-T-C.
Other names: c.203A>G, p.His68Arg (NM_001162426.2, NM_001162427.2); c.-153-1469A>G (NM_001362177.2); short protein forms H68R.
Identifiers: ClinVar variation 48877 (VCV000048877.3), dbSNP rs118203347, ClinGen allele CA005812.